The following is an entry in ClinVar:

NM_014305.4(TGDS):c.305C>T (p.Thr102Ile)

Gene: TGDS (TDP-glucose 4,6-dehydratase; minus strand). Cytogenetic location: 13q32.1.
Variant type: single nucleotide variant.
Coding change: c.305C>T on transcript NM_014305.4 (MANE Select); coding-DNA position 305, C replaced by T.
Protein change: p.Thr102Ile; replaces threonine 102 with isoleucine.
Molecular consequence: missense variant. On other transcripts: non-coding transcript variant (1).
Genome position (GRCh38, 1-based): chr13:94,590,861, G>A on the plus strand (C>T on the coding strand, the complement: TGDS is on the minus strand). VCF-style: chr13-94590861-G-A. GRCh37 (hg19) VCF-style: chr13-95243115-G-A.
Other names: c.209C>T, p.Thr70Ile (NM_001304430.2); short protein forms T70I, T102I.
Identifiers: ClinVar variation 2412789 (VCV002412789.1), dbSNP rs775273838, ClinGen allele CA7018084.
Genomic context (GRCh38, chr13:94,590,861, plus strand): 5'-GAGGGCGGGGAGAGAACTGCCAATCATAACTGTAACATAAAACAATGCTTACCTACATGT[G>A]TTTGTGCGGCAAAATGTAGTACTATATCTATTTTCTCTGTTTCAAAAAGCAGTTTCACAA-3'
Protein context (NP_055120.1, residues 92-112): IDIVLHFAAQ[Thr102Ile]HVDLSFVRAF

ClinVar aggregate classification (germline): Likely pathogenic (1 of 4 stars; one submission).

Conditions:
Catel-Manzke syndrome. Also called: HYPERPHALANGY-CLINODACTYLY OF INDEX FINGER WITH PIERRE ROBIN SYNDROME; INDEX FINGER ANOMALY WITH PIERRE ROBIN SYNDROME; PIERRE ROBIN SYNDROME WITH HYPERPHALANGY AND CLINODACTYLY; MICROGNATHIA DIGITAL SYNDROME. Identifiers: Orphanet 1388, MedGen C1844887, MONDO:0014507, OMIM 616145.

Allele frequency attached by ClinVar (database versions not stated): TOPMed below 0.00001; gnomAD exomes 0.00001; ExAC 0.00002.
gnomAD v4.1: 12 of 1,568,584 alleles (0.00077%); highest among the groups gnomAD compares: Non-Finnish European, 0.001%; no homozygotes.

Submission:

CHU Sainte-Justine Research Center, University of Montreal
Classification: Likely pathogenic for Catel-Manzke syndrome. Last evaluated: 2021-02-17. Review status: criteria provided, single submitter. Criteria: ACMG Guidelines, 2015. Collection method: clinical testing. Allele origin: germline. Affected: yes.
Comment: Compound heterozygous with NM_014305.3:c.457-2A>G